The following is an entry in ClinVar:

NM_014000.3(VCL):c.2828_2829del (p.Pro943fs)

Gene: VCL (vinculin; plus strand). Cytogenetic location: 10q22.2.
Variant type: Deletion.
Coding change: c.2828_2829del on transcript NM_014000.3 (MANE Select); coding-DNA positions 2828 to 2829, 2 bases deleted (CT; older notation c.2828_2829delCT).
Protein change: p.Pro943fs; shifts the reading frame from proline 943.
Molecular consequence: frameshift variant. On other transcripts: intron variant (1).
Genome position (GRCh38, 1-based): chr10:74,111,991-74,111,992, CT deleted. VCF-style (leftmost placement, unchanged base first): chr10-74111990-CCT-C. GRCh37 (hg19) VCF-style: chr10-75871748-CCT-C.
Other names: c.2828_2829delCT (NM_014000.2); c.2746-2193_2746-2192del (NM_003373.4).
Identifiers: ClinVar variation 202163 (VCV000202163.20), dbSNP rs781036800, ClinGen allele CA335643.
Genomic context (GRCh38, chr10:74,111,990, plus strand): 5'-GTGGGTATAGGTGTTGTAGCTGAGGCAGATGCGGCCGATGCTGCTGGCTTCCCTGTCCCC[CCT>C]GACATGGAAGACGATTACGAACCTGAGCTGCTGTTAATGCCATCCAATCAGCCGGTCAAC-3'

ClinVar aggregate classification (germline): Conflicting classifications of pathogenicity. Review status: criteria provided, conflicting classifications (1 of 4 stars). 8 submissions from 8 submitters: Likely pathogenic (1); Uncertain significance (6); Likely benign (1). Last evaluated 2026-08-06.

Conditions:
VCL-related disorder. Also called: VCL-related condition.
Cardiovascular phenotype. Identifiers: MedGen CN230736.
Hypertrophic cardiomyopathy 15. Identifiers: MedGen C2750459, MONDO:0013200, OMIM 613255.
Dilated cardiomyopathy 1W (CMD1W). Identifiers: Orphanet 154, MedGen C1969639, MONDO:0012667, OMIM 611407.
Primary dilated cardiomyopathy (DCM). Also called: Dilated Cardiomyopathy. Identifiers: Orphanet 217604, MedGen C0007193, MeSH D002311, MONDO:0005021, HP:0001644. Inheritance: Various modes of inheritance.

Allele frequency attached by ClinVar (database versions not stated): gnomAD exomes 0.00001 and 0.00004; ExAC 0.00004; TOPMed 0.00012; gnomAD 0.00014.

Submissions (8):

OLLIN Analises Genomicas, OLLIN
Classification: Uncertain significance for Hypertrophic cardiomyopathy 15. Last evaluated: 2026-08-06. Review status: criteria provided, single submitter. Criteria: ACMG Guidelines 2015 PMID 25741868. Collection method: clinical testing. Allele origin: germline.
Comment: This frameshift variant, located in exon 19 (of 22), has been reported in ClinVar (accession VCV000202163.18) and in gnomAD with an allele frequency of 0.0027%. However, to our knowledge, it has not been reported in the scientific literature. This variant causes a frameshift and introduces a premature stop codon, which is predicted to result in either a truncated protein or degradation of the mRNA via nonsense-mediated decay (NMD). According to the currently available evidence, this variant has been classified as uncertain significance (PVS1_S, BS1).

PreventionGenetics, part of Exact Sciences
Classification: Uncertain significance for VCL-related condition. Last evaluated: 2026-06-09. Review status: criteria provided, single submitter. Criteria: ACMG Guidelines, 2015. Collection method: clinical testing. Allele origin: germline.
Comment: The VCL c.2828_2829delCT variant is predicted to result in a frameshift and premature protein termination (p.Pro943Argfs*9). This variant has been reported in at least three individuals with dilated cardiomyopathy (Hawley et al. 2020. PubMed ID: 32516855; Table S2, Burstein et al. 2020. PubMed ID: 32746448) and in additional individuals with peripartum cardiomyopathy or hypertrophic cardiomyopathy (Table S2, Ware et al. 2016. PubMed ID: 26735901; Hawley et al. 2020. PubMed ID: 32516855). This variant is reported in 0.048% of alleles in individuals of African descent in gnomAD. Loss of function is not an established mechanism of VCL-related disorders. At this time, the clinical significance of this variant is uncertain due to the absence of conclusive functional and genetic evidence.

Labcorp Genetics (formerly Invitae), Labcorp
Classification: Uncertain significance for Dilated cardiomyopathy 1W. Last evaluated: 2026-01-27. Review status: criteria provided, single submitter. Criteria: Invitae Variant Classification Sherloc (09022015). Collection method: clinical testing. Allele origin: germline.
Comment: This sequence change creates a premature translational stop signal (p.Pro943Argfs*9) in the VCL gene. It is expected to result in an absent or disrupted protein product. However, the current clinical and genetic evidence is not sufficient to establish whether loss-of-function variants in VCL cause disease. This variant is present in population databases (rs781036800, gnomAD 0.04%), and has an allele count higher than expected for a pathogenic variant. This premature translational stop signal has been observed in individual(s) with VCL-related conditions (PMID: 26735901, 32516855). ClinVar contains an entry for this variant (Variation ID: 202163). In summary, the available evidence is currently insufficient to determine the role of this variant in disease. Therefore, it has been classified as a Variant of Uncertain Significance.

Ambry Genetics
Classification: Uncertain significance for Cardiovascular phenotype. Last evaluated: 2026-01-12. Review status: criteria provided, single submitter. Criteria: Ambry Variant Classification Scheme 2023. Collection method: clinical testing. Allele origin: germline.
Comment: The c.2828_2829delCT variant, located in coding exon 19 of the VCL gene, results from a deletion of two nucleotides at nucleotide positions 2828 to 2829, causing a translational frameshift with a predicted alternate stop codon (p.P943Rfs*9). This variant was reported in individual(s) with features consistent with dilated cardiomyopathy (DCM) (Hawley MH et al. Hum Mutat, 2020 Sep;41:1577-1587; Goli R et al. Circulation, 2021 May;143:1852-1862; Burstein DS et al. Pediatr Res, 2021 May;89:1470-1476). This alteration is expected to result in protein truncation or nonsense-mediated mRNA decay. However, loss of function has not been established as a mechanism of disease. Based on the available evidence, the clinical significance of this alteration remains unclear.

Blueprint Genetics
Classification: Likely benign. Last evaluated: 2023-08-11. Review status: criteria provided, single submitter. Criteria: ACMG Guidelines, 2015. Collection method: clinical testing. Allele origin: germline.

GeneDx
Classification: Uncertain significance. Last evaluated: 2022-11-11. Review status: criteria provided, single submitter. Criteria: GeneDx Variant Classification Process June 2021. Collection method: clinical testing. Allele origin: germline. Affected: yes.
Comment: Has been reported as a variant of uncertain significance in individuals with DCM (Ware et al., 2016; Hawley et al., 202; Burstein et al., 2021); Frameshift variant predicted to result in protein truncation or nonsense mediated decay in a gene or region of a gene for which loss of function is not a well-established mechanism of disease; This variant is associated with the following publications: (PMID: 34426522, 33874732, 32746448, 32516855, 26735901)

Center of Genomic medicine, Geneva, University Hospital of Geneva
Classification: Uncertain significance for Hypertrophic cardiomyopathy 15. Last evaluated: 2016-11-29. Review status: criteria provided, single submitter. Criteria: ACMG Guidelines, 2015. Collection method: clinical testing. Allele origin: paternal. Affected: yes.

Laboratory for Molecular Medicine, Mass General Brigham Personalized Medicine
Classification: Likely pathogenic for Primary dilated cardiomyopathy. Last evaluated: 2015-11-27. Review status: criteria provided, single submitter. Criteria: LMM Criteria. Collection method: clinical testing. Allele origin: germline. Observed: 1 variant allele.
Comment: The p.Pro943fs variant in VCL has not been previously reported in individuals wi th cardiomyopathy, but has been identified in 5/10406 of African chromosomes by the Exome Aggregation Consortium (ExAC; dbSNP rs 781036800). This variant is predicted to cause a frameshift, which alters the pr otein?s amino acid sequence beginning at position 943 and leads to a premature t ermination codon 9 amino acids downstream. Mouse models have shown that loss of function of the VCL gene can lead to DCM (Zemljic-Harpf 2007), although the mode of inheritance associated with such variants in humans is not yet clear. In sum mary, although additional studies are required to fully establish its clinical s ignificance, the p.Pro943fs variant is likely pathogenic.

Literature cited by the submitters: PubMed 26735901 (cited by Labcorp Genetics (formerly Invitae), Labcorp); PubMed 32516855 (cited by Labcorp Genetics (formerly Invitae), Labcorp and Ambry Genetics); PubMed 32746448 (cited by Ambry Genetics); PubMed 33874732 (cited by Ambry Genetics).